The following is an entry in ClinVar:

ClinVar aggregate classification (germline): Pathogenic (1 of 4 stars; one submission).

Conditions:
Retinitis pigmentosa 73 (RP73). Identifiers: Orphanet 791, MedGen C4225287, MONDO:0014687, OMIM 616544.
Mucopolysaccharidosis, MPS-III-C (MPS3C). Also called: SANFILIPPO SYNDROME C; MPS III C; Mucopolysaccharidosis type IIIC (Sanfilippo C); MUCOPOLYSACCHARIDOSIS, TYPE IIIC; mucopolysaccharidosis type 3C; MPS IIIC (Sanfilippo Syndrome Type C). Identifiers: Orphanet 581, Orphanet 79271, MedGen C0086649, MONDO:0009657, OMIM 252930.

Submission:

Labcorp Genetics (formerly Invitae), Labcorp
Classification: Pathogenic for Retinitis pigmentosa 73; Mucopolysaccharidosis, MPS-III-C. Last evaluated: 2023-11-17. Review status: criteria provided, single submitter. Criteria: Invitae Variant Classification Sherloc (09022015). Collection method: clinical testing. Allele origin: germline.
Comment: This sequence change creates a premature translational stop signal (p.Tyr468Metfs*14) in the HGSNAT gene. It is expected to result in an absent or disrupted protein product. Loss-of-function variants in HGSNAT are known to be pathogenic (PMID: 17033958, 19479962). This variant is not present in population databases (gnomAD no frequency). This variant has not been reported in the literature in individuals affected with HGSNAT-related conditions. For these reasons, this variant has been classified as Pathogenic.

Literature cited by the submitters: PubMed 17033958; PubMed 19479962.

NM_152419.3(HGSNAT):c.1401del (p.Tyr468fs)

Gene: HGSNAT (heparan-alpha-glucosaminide N-acetyltransferase; plus strand). Cytogenetic location: 8p11.21.
Variant type: Deletion.
Coding change: c.1401del on transcript NM_152419.3 (MANE Select); coding-DNA position 1401, one base deleted (C; older notation c.1401delC).
Protein change: p.Tyr468fs; shifts the reading frame from tyrosine 468.
Molecular consequence: frameshift variant.
Genome position (GRCh38, 1-based): chr8:43,193,780, C deleted; the last of 2 consecutive C bases (chr8:43,193,779-43,193,780); deleting either gives the same sequence. VCF-style (leftmost placement, unchanged base first): chr8-43193778-GC-G. GRCh37 (hg19) VCF-style: chr8-43048921-GC-G.
Other names: c.1401del, p.Tyr468fs (NM_001363227.2); c.1209del, p.Tyr404fs (NM_001363228.2); c.537del, p.Tyr180fs (NM_001363229.2); short protein forms Y468fs, Y180fs, Y404fs.
Identifiers: ClinVar variation 2953989 (VCV002953989.3), dbSNP rs2487096513, ClinGen allele CA2740095032.